The following is an entry in ClinVar:

ClinVar aggregate classification (germline): Benign (1 of 4 stars; one submission).

Allele frequency attached by ClinVar (database versions not stated): 1000 Genomes Project 0.15994; TOPMed 0.21435.
gnomAD v4.1: 277,646 of 1,228,658 alleles (23%); highest among the groups gnomAD compares: Middle Eastern, 34%; 32,722 homozygotes.

Submission:

Unidad de Genómica Garrahan, Hospital de Pediatría Garrahan
Classification: Benign. Last evaluated: 2024-01-24. Review status: criteria provided, single submitter. Criteria: ACMG Guidelines, 2015. Collection method: clinical testing. Allele origin: germline. Affected: no. Observed: 23 variant alleles.
Comment: This variant is classified as Benign based on local population frequency. This variant was detected in 24% of patients studied by a panel of primary immunodeficiencies. Number of patients: 23. Only high quality variants are reported.

NM_001291746.2(REL):c.11-79A>G

Gene: REL (REL proto-oncogene, NF-kB subunit; plus strand). Cytogenetic location: 2p16.1.
Variant type: single nucleotide variant.
Coding change: c.11-79A>G on transcript NM_001291746.2 (MANE Select); 79 bases into the intron before coding-DNA position 11, A replaced by G.
Molecular consequence: intron variant.
Genome position (GRCh38, 1-based): chr2:60,891,604, A>G. VCF-style: chr2-60891604-A-G. GRCh37 (hg19) VCF-style: chr2-61118739-A-G.
Other names: c.11-79A>G (NM_002908.4).
Identifiers: ClinVar variation 2688308 (VCV002688308.2), dbSNP rs10185028, ClinGen allele CA11187577.